The following is an entry in ClinVar:

ClinVar aggregate classification (germline): Benign. Review status: criteria provided, multiple submitters, no conflicts (2 of 4 stars). 8 submissions from 4 submitters: Benign (8). Last evaluated 2026-09-21.

Conditions:
Cardiomyopathy, dilated, with wooly hair, keratoderma, and tooth agenesis. Also called: Erythrokeratodermia-cardiomyopathy syndrome; Cardiomyopathy, dilated, with woolly hair, keratoderma, and tooth agenesis. Identifiers: Orphanet 476096, Orphanet 65282, MedGen C4014393, MONDO:0014355, OMIM 615821.
Lethal acantholytic epidermolysis bullosa (EBLA). Identifiers: Orphanet 158687, MedGen C1864826, MONDO:0012323, OMIM 609638.
Woolly hair-skin fragility syndrome (WHSF). Identifiers: Orphanet 293165, MedGen C1843292, MONDO:0957307, OMIM 620415.
Keratosis palmoplantaris striata 2. Also called: Keratosis palmoplantaris striata II; KERATODERMA, PALMOPLANTAR, STRIATE FORM II; STRIATE PALMOPLANTAR KERATODERMA II. Identifiers: MedGen C1852127, MONDO:0013034, OMIM 612908.
Arrhythmogenic cardiomyopathy with wooly hair and keratoderma. Also called: Arrhythmogenic cardiomyopathy with woolly hair and keratoderma; PALMOPLANTAR KERATODERMA WITH LEFT VENTRICULAR CARDIOMYOPATHY AND WOOLLY HAIR; Dilated cardiomyopathy with woolly hair and keratoderma; Carvajal syndrome. Identifiers: Orphanet 65282, MedGen C1854063, MONDO:0011581, OMIM 605676.

Allele frequency attached by ClinVar (database versions not stated): ExAC 0.75864; TOPMed 0.78553; gnomAD exomes 0.75975 and 0.76205; gnomAD 0.77690 and 0.77500; 1000 Genomes Project 30x 0.77139; 1000 Genomes Project 0.77276; ESP Exome Variant Server 0.78218.
gnomAD v4.1: 1,230,958 of 1,611,848 alleles (76%); highest among the groups gnomAD compares: East Asian, 83%; 471,357 homozygotes.

Submissions (8):

Molecular Diagnostic Laboratory for Inherited Cardiovascular Disease, Montreal Heart Institute
Classification: Benign. Last evaluated: 2026-09-21. Review status: criteria provided, single submitter. Criteria: ACMG Guidelines, 2015. Collection method: clinical testing. Allele origin: germline. Affected: no.

Genome-Nilou Lab
Classification: Benign for Arrhythmogenic cardiomyopathy with wooly hair and keratoderma. Last evaluated: 2021-07-30. Review status: criteria provided, single submitter. Criteria: ACMG Guidelines, 2015. Collection method: clinical testing. Allele origin: germline. Affected: no.

Genome-Nilou Lab
Classification: Benign for Cardiomyopathy, dilated, with wooly hair, keratoderma, and tooth agenesis. Last evaluated: 2021-07-30. Review status: criteria provided, single submitter. Criteria: ACMG Guidelines, 2015. Collection method: clinical testing. Allele origin: germline. Affected: no.

Genome-Nilou Lab
Classification: Benign for Lethal acantholytic epidermolysis bullosa. Last evaluated: 2021-07-30. Review status: criteria provided, single submitter. Criteria: ACMG Guidelines, 2015. Collection method: clinical testing. Allele origin: germline. Affected: no.

Genome-Nilou Lab
Classification: Benign for Keratosis palmoplantaris striata 2. Last evaluated: 2021-07-30. Review status: criteria provided, single submitter. Criteria: ACMG Guidelines, 2015. Collection method: clinical testing. Allele origin: germline. Affected: no.

Genome-Nilou Lab
Classification: Benign for Arrhythmogenic cardiomyopathy with wooly hair and keratoderma. Last evaluated: 2021-07-30. Review status: criteria provided, single submitter. Criteria: ACMG Guidelines, 2015. Collection method: clinical testing. Allele origin: germline. Affected: no.

GeneDx
Classification: Benign. Last evaluated: 2018-06-13. Review status: criteria provided, single submitter. Criteria: GeneDx Variant Classification (06012015). Collection method: clinical testing. Allele origin: germline. Affected: yes.
Comment: This variant is considered likely benign or benign based on one or more of the following criteria: it is a conservative change, it occurs at a poorly conserved position in the protein, it is predicted to be benign by multiple in silico algorithms, and/or has population frequency not consistent with disease.

PreventionGenetics, part of Exact Sciences
Classification: Benign. Review status: criteria provided, single submitter. Criteria: ACMG Guidelines, 2015. Collection method: clinical testing. Allele origin: germline.

NM_004415.4(DSP):c.1141-44C>T

Gene: DSP (desmoplakin; plus strand). Cytogenetic location: 6p24.3.
Variant type: single nucleotide variant.
Coding change: c.1141-44C>T on transcript NM_004415.4 (MANE Select); 44 bases into the intron before coding-DNA position 1141, C replaced by T.
Molecular consequence: intron variant.
Genome position (GRCh38, 1-based): chr6:7,567,737, C>T. VCF-style: chr6-7567737-C-T. GRCh37 (hg19) VCF-style: chr6-7567970-C-T.
Other names: c.1141-44C>T (LRG_423t1, NM_004415.3, NM_001319034.2 and 1 more transcripts).
Identifiers: ClinVar variation 259381 (VCV000259381.6), dbSNP rs2076296, ClinGen allele CA027065.